The following is an entry in ClinVar:

NM_031448.6(C19orf12):c.4A>G (p.Thr2Ala)

Gene: C19orf12 (chromosome 19 open reading frame 12; minus strand). Cytogenetic location: 19q12.
Variant type: single nucleotide variant.
Coding change: c.4A>G on transcript NM_031448.6 (MANE Select); coding-DNA position 4, A replaced by G.
Protein change: p.Thr2Ala; replaces threonine 2 with alanine.
Molecular consequence: missense variant. On other transcripts: 5 prime UTR variant (1), intron variant (2).
Genome position (GRCh38, 1-based): chr19:29,708,410, T>C on the plus strand (A>G on the coding strand, the complement: C19orf12 is on the minus strand). VCF-style: chr19-29708410-T-C. GRCh37 (hg19) VCF-style: chr19-30199317-T-C.
Other names: c.4A>G, p.Thr2Ala (NM_001031726.4, NM_001256046.3, NM_001256047.2); c.-310A>G (NM_001282931.3); c.-32-5433A>G (NM_001282929.1, NM_001282930.3); short protein forms T2A.
Identifiers: ClinVar variation 1682840 (VCV001682840.8), dbSNP rs2145640278, ClinGen allele CA405145923.

ClinVar aggregate classification (germline): Uncertain significance (1 of 4 stars; one submission).

Conditions:
Hereditary spastic paraplegia 43. Also called: Spastic paraplegia 43, autosomal recessive. Identifiers: Orphanet 320370, MedGen C2680446, MONDO:0014024, OMIM 615043.

Submission:

Labcorp Genetics (formerly Invitae), Labcorp
Classification: Uncertain significance for Hereditary spastic paraplegia 43. Last evaluated: 2022-07-25. Review status: criteria provided, single submitter. Criteria: Invitae Variant Classification Sherloc (09022015). Collection method: clinical testing. Allele origin: germline.
Comment: In summary, the available evidence is currently insufficient to determine the role of this variant in disease. Therefore, it has been classified as a Variant of Uncertain Significance. Algorithms developed to predict the effect of missense changes on protein structure and function (SIFT, PolyPhen-2, Align-GVGD) all suggest that this variant is likely to be tolerated. ClinVar contains an entry for this variant (Variation ID: 1682840). This variant has not been reported in the literature in individuals affected with C19orf12-related conditions. This variant is not present in population databases (gnomAD no frequency). This sequence change replaces threonine, which is neutral and polar, with alanine, which is neutral and non-polar, at codon 13 of the C19orf12 protein (p.Thr13Ala).